The following is an entry in ClinVar:

NM_001844.5(COL2A1):c.4226A>C (p.Lys1409Thr)

Gene: COL2A1 (collagen type II alpha 1 chain; minus strand). Cytogenetic location: 12q13.11.
Variant type: single nucleotide variant.
Coding change: c.4226A>C on transcript NM_001844.5 (MANE Select); coding-DNA position 4226, A replaced by C.
Protein change: p.Lys1409Thr; replaces lysine 1409 with threonine.
Molecular consequence: missense variant.
Genome position (GRCh38, 1-based): chr12:47,974,180, T>G on the plus strand (A>C on the coding strand, the complement: COL2A1 is on the minus strand). VCF-style: chr12-47974180-T-G. GRCh37 (hg19) VCF-style: chr12-48367963-T-G.
Other names: c.4019A>C, p.Lys1340Thr (NM_033150.3); short protein forms K1340T, K1409T.
Identifiers: ClinVar variation 1378713 (VCV001378713.6), dbSNP rs2136505295, ClinGen allele CA384533585.

ClinVar aggregate classification (germline): Uncertain significance (1 of 4 stars; one submission).

Submission:

Labcorp Genetics (formerly Invitae), Labcorp
Classification: Uncertain significance. Last evaluated: 2021-08-30. Review status: criteria provided, single submitter. Criteria: Invitae Variant Classification Sherloc (09022015). Collection method: clinical testing. Allele origin: germline.
Comment: This sequence change replaces lysine with threonine at codon 1409 of the COL2A1 protein (p.Lys1409Thr). The lysine residue is highly conserved and there is a moderate physicochemical difference between lysine and threonine. This variant is not present in population databases (ExAC no frequency). This variant has not been reported in the literature in individuals affected with COL2A1-related conditions. Advanced modeling of protein sequence and biophysical properties (such as structural, functional, and spatial information, amino acid conservation, physicochemical variation, residue mobility, and thermodynamic stability) performed at Invitae indicates that this missense variant is not expected to disrupt COL2A1 protein function. In summary, the available evidence is currently insufficient to determine the role of this variant in disease. Therefore, it has been classified as a Variant of Uncertain Significance.